The following is an entry in ClinVar:

ClinVar aggregate classification (germline): Benign/Likely benign. Review status: criteria provided, multiple submitters, no conflicts (2 of 4 stars). 7 submissions from 7 submitters: Benign (1); Likely benign (6). Last evaluated 2025-05-28.

Conditions:
Hereditary breast ovarian cancer syndrome. Also called: Breast and ovarian cancer; Hereditary breast and ovarian cancer syndrome; Hereditary breast and ovarian cancer; BRCA1- and BRCA2-Associated Hereditary Breast and Ovarian Cancer; Hereditary breast and ovarian cancer syndrome (HBOC); Hereditary breast and/or ovarian cancer syndrome. Identifiers: Orphanet 145, MedGen C0677776, MeSH D061325, MONDO:0003582. Disease mechanism: loss of function.
Li-Fraumeni syndrome (LFS). Also called: Sarcoma family syndrome of Li and Fraumeni. Identifiers: Orphanet 524, MedGen C0085390, MONDO:0018875.
Familial colorectal cancer type X. Identifiers: Orphanet 440437, MedGen C3896578, MONDO:0018604.
Hereditary cancer-predisposing syndrome. Also called: Tumor predisposition; Hereditary Cancer Syndrome; Hereditary neoplastic syndrome; Neoplastic Syndromes, Hereditary. Identifiers: Orphanet 140162, MedGen C0027672, MeSH D009386, MONDO:0015356.
Familial cancer of breast. Also called: BREAST CANCER, FAMILIAL; hereditary breast carcinoma; Hereditary breast cancer. Identifiers: Orphanet 227535, MedGen C0346153, MONDO:0016419, OMIM 114480. Disease mechanism: loss of function.

Allele frequency attached by ClinVar (database versions not stated): gnomAD below 0.00001 and 0.00001; gnomAD exomes 0.00005 and 0.00011; ExAC 0.00044.
gnomAD v4.1: 66 of 1,430,628 alleles (0.0046%); highest among the groups gnomAD compares: South Asian, 0.077%; 3 homozygotes.

Submissions (7):

Labcorp Genetics (formerly Invitae), Labcorp
Classification: Likely benign for Familial cancer of breast. Last evaluated: 2025-05-28. Review status: criteria provided, single submitter. Criteria: Invitae Variant Classification Sherloc (09022015). Collection method: clinical testing. Allele origin: germline.

Center for Genomic Medicine, Rigshospitalet, Copenhagen University Hospital
Classification: Likely benign. Last evaluated: 2025-03-04. Review status: criteria provided, single submitter. Criteria: ACMG Guidelines, 2015. Collection method: clinical testing. Allele origin: germline.

Department of Pathology and Laboratory Medicine, Sinai Health System
Classification: Likely benign for Hereditary breast ovarian cancer syndrome; Li-Fraumeni syndrome; Familial colorectal cancer type X. Last evaluated: 2020-06-08. Review status: criteria provided, single submitter. Criteria: ACMG Guidelines, 2015. Collection method: clinical testing. Allele origin: germline. Affected: yes.

Women's Health and Genetics/Laboratory Corporation of America, LabCorp
Classification: Benign. Last evaluated: 2017-06-23. Review status: criteria provided, single submitter. Criteria: LabCorp Variant Classification Summary - May 2015. Collection method: clinical testing. Allele origin: germline.
Comment: Variant summary: The CHEK2 c.907T>C (p.Leu303Leu) variant involves the alteration of a non-conserved nucleotide, resulting in a synonymous change. One in silico tool predicts a damaging outcome for this variant. 5/5 splice prediction tools predict no significant impact on normal splicing. ESE finder predicts that this variant does not affect ESE sites at the locus. However, these predictions have yet to be confirmed by functional studies. This variant was found in the large control database ExAC in 13 of 29770 control chromosomes (1 homozygote), but was observed exclusively in the South Asian subpopulation at a frequency of 0.001524 (13/8528; 1 homozygote). This frequency is about 54 times the estimated maximal expected allele frequency of a pathogenic CHEK2 variant (0.0000284), strongly suggesting this is likely a benign polymorphism found primarily in the populations of South Asian origin. Although this site has been successfully tested in a reduced number of control individuals in ExAC, the large control database gnomAD supports this finding with a larger number of samples tested (22/196838 control chromosomes [1 homozygote]; South Asian frequency of 21/26240 [1 homozygote]). In addition, two clinical diagnostic laboratories have classified this variant as likely benign. To our knowledge, the variant of interest has not been reported in affected individuals via publications, nor has it been evaluated for functional impact by in vivo/vitro studies. Taken together, this variant is classified as benign.

Color Diagnostics, LLC DBA Color Health
Classification: Likely benign for Hereditary cancer-predisposing syndrome. Last evaluated: 2016-10-31. Review status: criteria provided, single submitter. Criteria: ACMG Guidelines, 2015. Collection method: clinical testing. Allele origin: germline.

GeneDx
Classification: Likely benign. Last evaluated: 2016-07-20. Review status: criteria provided, single submitter. Criteria: GeneDx Variant Classification (06012015). Collection method: clinical testing. Allele origin: germline. Affected: yes.
Comment: This variant is considered likely benign or benign based on one or more of the following criteria: it is a conservative change, it occurs at a poorly conserved position in the protein, it is predicted to be benign by multiple in silico algorithms, and/or has population frequency not consistent with disease.

Ambry Genetics
Classification: Likely benign for Hereditary cancer-predisposing syndrome. Last evaluated: 2015-09-15. Review status: criteria provided, single submitter. Criteria: Ambry Variant Classification Scheme 2023. Collection method: clinical testing. Allele origin: germline.

NM_007194.4(CHEK2):c.907T>C (p.Leu303=)

Gene: CHEK2 (checkpoint kinase 2; minus strand). Cytogenetic location: 22q12.1.
Variant type: single nucleotide variant.
Coding change: c.907T>C on transcript NM_007194.4 (MANE Select); coding-DNA position 907, T replaced by C.
Protein change: p.Leu303=; no amino-acid change (leucine 303 retained).
Molecular consequence: synonymous variant.
Genome position (GRCh38, 1-based): chr22:28,703,506, A>G on the plus strand (T>C on the coding strand, the complement: CHEK2 is on the minus strand). VCF-style: chr22-28703506-A-G. GRCh37 (hg19) VCF-style: chr22-29099494-A-G.
Other names: c.1036T>C, p.Leu346= (NM_001005735.3); c.244T>C, p.Leu82= (NM_001257387.3); c.706T>C, p.Leu236= (NM_001349956.3); c.907T>C, p.Leu303= (NM_145862.3).
Identifiers: ClinVar variation 184170 (VCV000184170.21), dbSNP rs752359705, ClinGen allele CA188055.